The following is an entry in ClinVar:

NM_002335.4(LRP5):c.2377G>A (p.Gly793Arg)

Gene: LRP5 (LDL receptor related protein 5; plus strand). Cytogenetic location: 11q13.2.
Variant type: single nucleotide variant.
Coding change: c.2377G>A on transcript NM_002335.4 (MANE Select); coding-DNA position 2377, G replaced by A.
Protein change: p.Gly793Arg; replaces glycine 793 with arginine.
Molecular consequence: missense variant.
Genome position (GRCh38, 1-based): chr11:68,411,494, G>A. VCF-style: chr11-68411494-G-A. GRCh37 (hg19) VCF-style: chr11-68178962-G-A.
Other names: c.634G>A, p.Gly212Arg (NM_001291902.2); short protein forms G212R, G793R.
Identifiers: ClinVar variation 3704413 (VCV003704413.2).

ClinVar aggregate classification (germline): Uncertain significance (1 of 4 stars; one submission).

Submission:

Labcorp Genetics (formerly Invitae), Labcorp
Classification: Uncertain significance. Last evaluated: 2025-01-15. Review status: criteria provided, single submitter. Criteria: Invitae Variant Classification Sherloc (09022015). Collection method: clinical testing. Allele origin: germline.
Comment: This sequence change replaces glycine, which is neutral and non-polar, with arginine, which is basic and polar, at codon 793 of the LRP5 protein (p.Gly793Arg). This variant is not present in population databases (gnomAD no frequency). This missense change has been observed in individual(s) with familial exudative vitreoretinopathy (PMID: 36018796). Invitae Evidence Modeling of protein sequence and biophysical properties (such as structural, functional, and spatial information, amino acid conservation, physicochemical variation, residue mobility, and thermodynamic stability) indicates that this missense variant is expected to disrupt LRP5 protein function with a positive predictive value of 95%. In summary, the available evidence is currently insufficient to determine the role of this variant in disease. Therefore, it has been classified as a Variant of Uncertain Significance.

Literature cited by the submitters: PubMed 36018796.